The following is an entry in ClinVar:

ClinVar aggregate classification (germline): Uncertain significance (1 of 4 stars; one submission).

Submission:

Ambry Genetics
Classification: Uncertain significance. Last evaluated: 2023-04-28. Review status: criteria provided, single submitter. Criteria: Ambry Variant Classification Scheme 2023. Collection method: clinical testing. Allele origin: germline.
Comment: The p.V517A variant (also known as c.1550T>C), located in coding exon 14 of the RAD54L gene, results from a T to C substitution at nucleotide position 1550. The valine at codon 517 is replaced by alanine, an amino acid with similar properties. This amino acid position is conserved. In addition, this alteration is predicted to be deleterious by in silico analysis. Since supporting evidence is limited at this time, the clinical significance of this alteration remains unclear.

NM_003579.4(RAD54L):c.1550T>C (p.Val517Ala)

Gene: RAD54L (RAD54 like; plus strand). Cytogenetic location: 1p34.1.
Variant type: single nucleotide variant.
Coding change: c.1550T>C on transcript NM_003579.4 (MANE Select); coding-DNA position 1550, T replaced by C.
Protein change: p.Val517Ala; replaces valine 517 with alanine.
Molecular consequence: missense variant.
Genome position (GRCh38, 1-based): chr1:46,273,687, T>C. VCF-style: chr1-46273687-T-C. GRCh37 (hg19) VCF-style: chr1-46739359-T-C.
Other names: c.1550T>C, p.Val517Ala (NM_001142548.2); c.1010T>C, p.Val337Ala (NM_001370766.1); short protein forms V517A, V337A.
Identifiers: ClinVar variation 2562799 (VCV002562799.2), dbSNP rs2525713351, ClinGen allele CA340182291.